The following is an entry in ClinVar:

NM_000255.4(MMUT):c.567T>G (p.Asn189Lys)

Gene: MMUT (methylmalonyl-CoA mutase; minus strand). Cytogenetic location: 6p12.3.
Variant type: single nucleotide variant.
Coding change: c.567T>G on transcript NM_000255.4 (MANE Select); coding-DNA position 567, T replaced by G.
Protein change: p.Asn189Lys; replaces asparagine 189 with lysine.
Molecular consequence: missense variant.
Genome position (GRCh38, 1-based): chr6:49,457,877, A>C on the plus strand (T>G on the coding strand, the complement: MMUT is on the minus strand). VCF-style: chr6-49457877-A-C. GRCh37 (hg19) VCF-style: chr6-49425590-A-C.
Other names: short protein forms N189K.
Identifiers: ClinVar variation 618734 (VCV000618734.15), dbSNP rs1561959114, ClinGen allele CA364404447.

ClinVar aggregate classification (germline): Pathogenic/Likely pathogenic. Review status: criteria provided, multiple submitters, no conflicts (2 of 4 stars). 4 submissions from 4 submitters: Pathogenic (1); Likely pathogenic (3). Last evaluated 2025-03-27.

Conditions:
Methylmalonic aciduria due to methylmalonyl-CoA mutase deficiency (MAMM). Also called: Methylmalonic aciduria, mut type. Identifiers: Orphanet 27, MedGen C1855114, MONDO:0009612, OMIM 251000.

Submissions (4):

Myriad Genetics, Inc.
Classification: Likely pathogenic for Methylmalonic aciduria due to methylmalonyl-CoA mutase deficiency. Last evaluated: 2025-03-27. Review status: criteria provided, single submitter. Criteria: Myriad Autosomal Dominant, Autosomal Recessive and X-Linked Classification Criteria (2023). Collection method: clinical testing. Allele origin: unknown.
Comment: NM_000255.3(MMUT):c.567T>G(N189K) is a missense variant classified as likely pathogenic in the context of methylmalonic acidemia, MMUT-related. N189K has been observed in cases with relevant disease (PMID: 26454439, 15781199, 34668645). Relevant functional assessments of this variant are not available in the literature. N189K has not been observed in referenced population frequency databases. In summary, NM_000255.3(MMUT):c.567T>G(N189K) is a missense variant that has internal structural support for pathogenicity and has been observed more frequently in cases with the relevant disease than in healthy populations. Please note: this variant was assessed in the context of healthy population screening.

Labcorp Genetics (formerly Invitae), Labcorp
Classification: Likely pathogenic. Last evaluated: 2023-10-28. Review status: criteria provided, single submitter. Criteria: Invitae Variant Classification Sherloc (09022015). Collection method: clinical testing. Allele origin: germline.
Comment: This sequence change replaces asparagine, which is neutral and polar, with lysine, which is basic and polar, at codon 189 of the MUT protein (p.Asn189Lys). This variant is not present in population databases (gnomAD no frequency). This missense change has been observed in individual(s) with methylmalonic aciduria (PMID: 15781199, 16281286, 34668645). ClinVar contains an entry for this variant (Variation ID: 618734). Advanced modeling of protein sequence and biophysical properties (such as structural, functional, and spatial information, amino acid conservation, physicochemical variation, residue mobility, and thermodynamic stability) performed at Invitae indicates that this missense variant is expected to disrupt MUT protein function with a positive predictive value of 95%. In summary, the currently available evidence indicates that the variant is pathogenic, but additional data are needed to prove that conclusively. Therefore, this variant has been classified as Likely Pathogenic.

ARUP Laboratories, Molecular Genetics and Genomics, ARUP Laboratories
Classification: Likely pathogenic. Last evaluated: 2018-08-31. Review status: criteria provided, single submitter. Criteria: ARUP Molecular Germline Variant Investigation Process. Collection method: clinical testing. Allele origin: germline.
Comment: The MUT c.567T>G; p.Asn189Lys variant has been described in the compound heterozygous state in individuals with methylmalonic aciduria (Han 2015, Jung 2004, Worgan 2006). It is absent from general population databases (1000 Genomes Project, Exome Variant Server, and Genome Aggregation Database), indicating it is not a common polymorphism. The asparagine at codon 189 is highly conserved, and computational algorithms (PolyPhen-2, SIFT) predict that this variant is deleterious. Additionally, another variant at this codon (c.566A>T; p.Asn189Ile) has been reported in at least one individual with methylmalonic aciduria and is considered pathogenic (Forny 2016). Based on available information, this variant is considered likely pathogenic. Pathogenic MUT variants are inherited in an autosomal recessive manner and are associated with methylmalonic aciduria, mut(0) type (MIM: 251000). References: Forny P et al. Molecular Genetic Characterization of 151 Mut-Type Methylmalonic Aciduria Patients and Identification of 41 Novel Mutations in MUT. Hum Mutat. 2016 Aug;37(8):745-54. Han LS et al. Clinical features and MUT gene mutation spectrum in Chinese patients with isolated methylmalonic acidemia: identification of ten novel allelic variants. World J Pediatr. 2015 Nov;11(4):358-65. Jung JW et al. Mutation analysis of the MCM gene in Korean patients with MMA. Mol Genet Metab. 2005 Apr;84(4):367-70. Epub 2004 Dec 19. Worgan LC et al. Spectrum of mutations in mut methylmalonic acidemia and identification of a common Hispanic mutation and haplotype. Hum Mutat. 2006 Jan;27(1):31-43.

Juno Genomics, Hangzhou Juno Genomics, Inc
Classification: Pathogenic for Methylmalonic aciduria due to methylmalonyl-CoA mutase deficiency. Review status: criteria provided, single submitter. Criteria: ACMG Guidelines, 2015. Collection method: clinical testing. Allele origin: germline. Affected: yes.
Comment: Absent from controls (or at extremely low frequency if recessive) in Genome Aggregation Database, Exome Sequencing Project, 1000 Genomes Project, or Exome Aggregation Consortium.;Multiple lines of computational evidence support a deleterious effect on the gene or gene product (conservation, evolutionary, splicing impact, etc).;Novel missense change at an amino acid residue where a different missense change determined to be pathogenic has been seen before.;For recessive disorders, detected in trans with a pathogenic variant.;Patient's phenotype or family history is highly specific for a disease with a single genetic etiology.

Literature cited by the submitters: PubMed 15781199 (cited by Myriad Genetics, Inc. and Labcorp Genetics (formerly Invitae), Labcorp); PubMed 26454439 (cited by Myriad Genetics, Inc.); PubMed 34668645 (cited by Myriad Genetics, Inc. and Labcorp Genetics (formerly Invitae), Labcorp); PubMed 16281286 (cited by Labcorp Genetics (formerly Invitae), Labcorp).